The following is an entry in ClinVar:

NM_020964.3(EPG5):c.7562T>C (p.Leu2521Pro)

Gene: EPG5 (ectopic P-granules 5 autophagy tethering factor; minus strand). Cytogenetic location: 18q12.3.
Variant type: single nucleotide variant.
Coding change: c.7562T>C on transcript NM_020964.3 (MANE Select); coding-DNA position 7562, T replaced by C.
Protein change: p.Leu2521Pro; replaces leucine 2521 with proline.
Molecular consequence: missense variant. On other transcripts: intron variant (1).
Genome position (GRCh38, 1-based): chr18:45,852,645, A>G on the plus strand (T>C on the coding strand, the complement: EPG5 is on the minus strand). VCF-style: chr18-45852645-A-G. GRCh37 (hg19) VCF-style: chr18-43432610-A-G.
Other names: c.7559T>C, p.Leu2520Pro (NM_001410859.1); c.7557+2928T>C (NM_001410858.1); short protein forms L2520P, L2521P.
Identifiers: ClinVar variation 5002686 (VCV005002686.1).

ClinVar aggregate classification (germline): Uncertain significance (1 of 4 stars; one submission).

Conditions:
Vici syndrome (VICIS). Identifiers: Orphanet 1493, MedGen C1855772, MONDO:0009452, OMIM 242840.

Submission:

OLLIN Analises Genomicas, OLLIN
Classification: Uncertain significance for Vici syndrome. Last evaluated: 2026-08-06. Review status: criteria provided, single submitter. Criteria: ACMG Guidelines 2015 PMID 25741868. Collection method: clinical testing. Allele origin: germline. Inheritance: Autosomal recessive inheritance.
Comment: This missense variant, located in exon 44 (of 44), is absent from gnomAD and ClinVar and has not been identified in the literature. In silico analysis predicts that this variant has a tolerated effect. According to the currently available evidence, this variant has been classified as uncertain significance (PM2_P, BP4).